The following is an entry in ClinVar:

NM_173354.5(SIK1):c.1634C>T (p.Ser545Leu)

Gene: SIK1 (salt inducible kinase 1; minus strand). Cytogenetic location: 21q22.3.
Variant type: single nucleotide variant.
Coding change: c.1634C>T on transcript NM_173354.5 (MANE Select); coding-DNA position 1634, C replaced by T.
Protein change: p.Ser545Leu; replaces serine 545 with leucine.
Molecular consequence: missense variant.
Genome position (GRCh38, 1-based): chr21:43,418,370, G>A on the plus strand (C>T on the coding strand, the complement: SIK1 is on the minus strand). VCF-style: chr21-43418370-G-A. GRCh37 (hg19) VCF-style: chr21-44838250-G-A.
Other names: c.1634C>T (NM_173354.3); short protein forms S545L.
Identifiers: ClinVar variation 1044080 (VCV001044080.12), dbSNP rs756332675, ClinGen allele CA321325382.

ClinVar aggregate classification (germline): Conflicting classifications of pathogenicity. Review status: criteria provided, conflicting classifications (1 of 4 stars). 3 submissions from 3 submitters: Uncertain significance (2); Likely benign (1). Last evaluated 2026-02-23.

Conditions:
Developmental and epileptic encephalopathy, 30 (DEE30). Also called: Epileptic encephalopathy, early infantile, 30. Identifiers: MedGen C4225360, MONDO:0014595, OMIM 616341.
Inborn genetic diseases. Identifiers: MedGen C0950123, MeSH D030342.

Allele frequency attached by ClinVar (database versions not stated): gnomAD exomes 0.00002; ExAC 0.00003.

Submissions (3):

Women's Health and Genetics/Laboratory Corporation of America, LabCorp
Classification: Uncertain significance. Last evaluated: 2026-02-23. Review status: criteria provided, single submitter. Criteria: LabCorp Variant Classification Summary - May 2015. Collection method: clinical testing. Allele origin: germline.
Comment: Variant summary: SIK1 c.1634C>T (p.Ser545Leu) results in a non-conservative amino acid change in the encoded protein sequence. Algorithms developed to predict the effect of missense changes on protein structure and function are either unavailable or do not agree on the potential impact of this missense change. The variant allele was found at a frequency of 2.1e-05 in 242212 control chromosomes. The available data on variant occurrences in the general population are insufficient to allow any conclusion about variant significance. To our knowledge, no occurrence of c.1634C>T in individuals affected with SIK1-related conditions and no experimental evidence demonstrating its impact on protein function have been reported. ClinVar contains an entry for this variant (Variation ID: 1044080). Based on the evidence outlined above, the variant was classified as uncertain significance.

Labcorp Genetics (formerly Invitae), Labcorp
Classification: Uncertain significance for Developmental and epileptic encephalopathy, 30. Last evaluated: 2024-03-15. Review status: criteria provided, single submitter. Criteria: Invitae Variant Classification Sherloc (09022015). Collection method: clinical testing. Allele origin: germline.
Comment: This sequence change replaces serine, which is neutral and polar, with leucine, which is neutral and non-polar, at codon 545 of the SIK1 protein (p.Ser545Leu). This variant is present in population databases (rs756332675, gnomAD 0.005%). This variant has not been reported in the literature in individuals affected with SIK1-related conditions. ClinVar contains an entry for this variant (Variation ID: 1044080). Advanced modeling of protein sequence and biophysical properties (such as structural, functional, and spatial information, amino acid conservation, physicochemical variation, residue mobility, and thermodynamic stability) performed at Invitae indicates that this missense variant is not expected to disrupt SIK1 protein function with a negative predictive value of 95%. In summary, the available evidence is currently insufficient to determine the role of this variant in disease. Therefore, it has been classified as a Variant of Uncertain Significance.

Ambry Genetics
Classification: Likely benign for Inborn genetic diseases. Last evaluated: 2023-12-28. Review status: criteria provided, single submitter. Criteria: Ambry Variant Classification Scheme 2023. Collection method: clinical testing. Allele origin: germline.